The following is an entry in ClinVar:

ClinVar aggregate classification (germline): Conflicting classifications of pathogenicity. Review status: criteria provided, conflicting classifications (1 of 4 stars). 3 submissions from 3 submitters: Uncertain significance (1); Benign (1). 1 of the submissions does not count toward it. Last evaluated 2025-12-31.

Conditions:
ARFGEF2-related disorder. Also called: ARFGEF2-related condition.
Periventricular heterotopia with microcephaly, autosomal recessive (ARPHM). Also called: Periventricular heterotopia with microcephaly; PERIVENTRICULAR NODULAR HETEROTOPIA 2. Identifiers: Orphanet 2149, MedGen C1842563, MONDO:0011966, OMIM 608097.

Allele frequency attached by ClinVar (database versions not stated): gnomAD exomes 0.00007 and 0.00043; gnomAD 0.00012 and 0.00015; TOPMed 0.00022; ExAC 0.00042; 1000 Genomes Project 0.00060; 1000 Genomes Project 30x 0.00062.
gnomAD v4.1: 134 of 1,614,154 alleles (0.0083%); highest among the groups gnomAD compares: East Asian, 0.24%; no homozygotes.

Submissions (3):

Labcorp Genetics (formerly Invitae), Labcorp
Classification: Benign. Last evaluated: 2025-12-31. Review status: criteria provided, single submitter. Criteria: Invitae Variant Classification Sherloc (09022015). Collection method: clinical testing. Allele origin: germline.

Illumina Laboratory Services, Illumina
Classification: Uncertain significance for Periventricular heterotopia with microcephaly, autosomal recessive. Last evaluated: 2018-01-13. Review status: criteria provided, single submitter. Criteria: ICSL Variant Classification Criteria 13 December 2019. Collection method: clinical testing. Allele origin: germline.

PreventionGenetics, part of Exact Sciences
Classification: Likely benign for ARFGEF2-related condition. Last evaluated: 2020-07-17. Review status: no assertion criteria provided. Collection method: clinical testing. Allele origin: germline. Not counted in ClinVar's aggregate classification.
Comment: This variant is classified as likely benign based on ACMG/AMP sequence variant interpretation guidelines (Richards et al. 2015 PMID: 25741868, with internal and published modifications).

NM_006420.3(ARFGEF2):c.1329C>T (p.Asn443=)

Gene: ARFGEF2 (ARF guanine nucleotide exchange factor 2; plus strand). Cytogenetic location: 20q13.13.
Variant type: single nucleotide variant.
Coding change: c.1329C>T on transcript NM_006420.3 (MANE Select); coding-DNA position 1329, C replaced by T.
Protein change: p.Asn443=; no amino-acid change (asparagine 443 retained).
Molecular consequence: synonymous variant.
Genome position (GRCh38, 1-based): chr20:48,971,258, C>T. VCF-style: chr20-48971258-C-T. GRCh37 (hg19) VCF-style: chr20-47587795-C-T.
Identifiers: ClinVar variation 718061 (VCV000718061.14), dbSNP rs192383756, ClinGen allele CA9898376.